The following is an entry in ClinVar:

ClinVar aggregate classification (germline): Uncertain significance (1 of 4 stars; one submission).

Conditions:
Hereditary spastic paraplegia 11. Also called: Spastic Paraplegia 11; Nakamura Osame syndrome; Autosomal recessive hereditary spastic paraplegia, mental impairment, and thin corpus callosum; SPASTIC PARAPLEGIA, AUTOSOMAL RECESSIVE, COMPLICATED, WITH THIN CORPUS CALLOSUM; SPASTIC PARAPLEGIA, AUTOSOMAL RECESSIVE, WITH MENTAL IMPAIRMENT AND THIN CORPUS CALLOSUM; Spastic paraplegia, mental retardation and thin corpus callosum. Identifiers: Orphanet 2822, MedGen C1858479, MONDO:0011445, OMIM 604360.

Allele frequency attached by ClinVar (database versions not stated): TOPMed below 0.00001.

Submission:

Labcorp Genetics (formerly Invitae), Labcorp
Classification: Uncertain significance for Hereditary spastic paraplegia 11. Last evaluated: 2021-07-09. Review status: criteria provided, single submitter. Criteria: Invitae Variant Classification Sherloc (09022015). Collection method: clinical testing. Allele origin: germline.
Comment: In summary, the available evidence is currently insufficient to determine the role of this variant in disease. Therefore, it has been classified as a Variant of Uncertain Significance. Algorithms developed to predict the effect of missense changes on protein structure and function (SIFT, PolyPhen-2, Align-GVGD) all suggest that this variant is likely to be disruptive. This variant has not been reported in the literature in individuals affected with SPG11-related conditions. This variant is not present in population databases (ExAC no frequency). This sequence change replaces proline with serine at codon 2329 of the SPG11 protein (p.Pro2329Ser). The proline residue is highly conserved and there is a moderate physicochemical difference between proline and serine.

NM_025137.4(SPG11):c.6985C>T (p.Pro2329Ser)

Gene: SPG11 (SPG11 vesicle trafficking associated, spatacsin; minus strand). Cytogenetic location: 15q21.1.
Variant type: single nucleotide variant.
Coding change: c.6985C>T on transcript NM_025137.4 (MANE Select); coding-DNA position 6985, C replaced by T.
Protein change: p.Pro2329Ser; replaces proline 2329 with serine.
Molecular consequence: missense variant.
Genome position (GRCh38, 1-based): chr15:44,565,868, G>A on the plus strand (C>T on the coding strand, the complement: SPG11 is on the minus strand). VCF-style: chr15-44565868-G-A. GRCh37 (hg19) VCF-style: chr15-44858066-G-A.
Other names: c.6646C>T, p.Pro2216Ser (NM_001160227.2); short protein forms P2329S, P2216S.
Identifiers: ClinVar variation 1461074 (VCV001461074.6), dbSNP rs1399660300, ClinGen allele CA392213046.
Genomic context (GRCh38, chr15:44,565,868, plus strand): 5'-AGAGAGGATGCTAGCAGTGCTGGCTACAGTTTGCTTTCTTGCTCACCTGGTAGAACCGAG[G>A]TAGGGCCAGAATACAGTCCATCAGCTTGTGGCGGCCCAAGTTGATGAGCATTGTGTTCTG-3'
Protein context (NP_079413.3, residues 2319-2339): HKLMDCILAL[Pro2329Ser]RFYQASIVAE